The following is an entry in ClinVar:

ClinVar aggregate classification (germline): Uncertain significance (1 of 4 stars; one submission).

Conditions:
Inborn genetic diseases. Identifiers: MedGen C0950123, MeSH D030342.

gnomAD v4.1: 1 of 1,614,220 alleles (0.000062%); highest among the groups gnomAD compares: African/African-American, 0.0013%; no homozygotes.

Submission:

Ambry Genetics
Classification: Uncertain significance for Inborn genetic diseases. Last evaluated: 2025-04-12. Review status: criteria provided, single submitter. Criteria: Ambry Variant Classification Scheme 2023. Collection method: clinical testing. Allele origin: germline.
Comment: The p.T1694A variant (also known as c.5080A>G), located in coding exon 20 of the FANCM gene, results from an A to G substitution at nucleotide position 5080. The threonine at codon 1694 is replaced by alanine, an amino acid with similar properties. This amino acid position is conserved. In addition, this alteration is predicted to be tolerated by in silico analysis. Based on the available evidence, the clinical significance of this variant remains unclear.

NM_020937.4(FANCM):c.5080A>G (p.Thr1694Ala)

Gene: FANCM (FA complementation group M; plus strand). Cytogenetic location: 14q21.2.
Variant type: single nucleotide variant.
Coding change: c.5080A>G on transcript NM_020937.4 (MANE Select); coding-DNA position 5080, A replaced by G.
Protein change: p.Thr1694Ala; replaces threonine 1694 with alanine.
Molecular consequence: missense variant.
Genome position (GRCh38, 1-based): chr14:45,189,102, A>G. VCF-style: chr14-45189102-A-G. GRCh37 (hg19) VCF-style: chr14-45658305-A-G.
Other names: c.5002A>G, p.Thr1668Ala (NM_001308133.2); short protein forms T1694A, T1668A.
Identifiers: ClinVar variation 4022681 (VCV004022681.1).
Genomic context (GRCh38, chr14:45,189,102, plus strand): 5'-AGTGAGGAGGAGAACAATGTAAATGATAAAAGAGAATCTAATATTGCGGTTAACCCAAGC[A>G]CTGTTAAGAAGAACAAACAACAGGACCATTGTTTAAATTCAGTGCCTTCTGGATCTTCTG-3'
Protein context (NP_065988.1, residues 1684-1704): RESNIAVNPS[Thr1694Ala]VKKNKQQDHC